The following is an entry in ClinVar:

NM_000059.4(BRCA2):c.8331+503A>C

Gene: BRCA2 (BRCA2 DNA repair associated; plus strand). Cytogenetic location: 13q13.1.
Variant type: single nucleotide variant.
Coding change: c.8331+503A>C on transcript NM_000059.4 (MANE Select); 503 bases into the intron after coding-DNA position 8331, A replaced by C.
Molecular consequence: intron variant.
Genome position (GRCh38, 1-based): chr13:32,364,036, A>C. VCF-style: chr13-32364036-A-C. GRCh37 (hg19) VCF-style: chr13-32938173-A-C.
Other names: IVS 18+503A>C.
Identifiers: ClinVar variation 209779 (VCV000209779.1), dbSNP rs11571722, ClinGen allele CA276747.

ClinVar aggregate classification (germline): Benign (3 of 4 stars; one submission).

Conditions:
Breast-ovarian cancer, familial, susceptibility to, 2 (BROVCA2). Also called: BRCA2 Hereditary Breast and Ovarian Cancer. Identifiers: Orphanet 145, MedGen C2675520, MONDO:0012933, OMIM 612555. Disease mechanism: loss of function.

Allele frequency attached by ClinVar (database versions not stated): 1000 Genomes Project 0.07268; 1000 Genomes Project 30x 0.07292; TOPMed 0.03925.
gnomAD v4.1: 6,176 of 152,314 alleles (4.1%); highest among the groups gnomAD compares: South Asian, 11%; 215 homozygotes.

Submission:

Evidence-based Network for the Interpretation of Germline Mutant Alleles (ENIGMA)
Classification: Benign for Breast-ovarian cancer, familial 2. Last evaluated: 2015-01-12. Review status: reviewed by expert panel. Criteria: ENIGMA BRCA1/2 Classification Criteria (2015). Collection method: curation. Allele origin: germline.
Comment: Class 1 not pathogenic based on frequency >1% in an outbred sampleset. Frequency 0.1049 (Asian), 0.01423 (African), 0.03694 (European), derived from 1000 genomes (2012-04-30).